The following is an entry in ClinVar:

NM_001849.4(COL6A2):c.1332+2T>C

Gene: COL6A2 (collagen type VI alpha 2 chain; plus strand). Cytogenetic location: 21q22.3.
Variant type: single nucleotide variant.
Coding change: c.1332+2T>C on transcript NM_001849.4 (MANE Select); the canonical splice donor site of the intron after coding-DNA position 1332, T replaced by C.
Molecular consequence: splice donor variant.
Genome position (GRCh38, 1-based): chr21:46,119,852, T>C. VCF-style: chr21-46119852-T-C. GRCh37 (hg19) VCF-style: chr21-47539766-T-C.
Other names: c.1332+2T>C (NM_058175.3, NM_058174.3).
Identifiers: ClinVar variation 1407076 (VCV001407076.6), dbSNP rs2078532687, ClinGen allele CA410530519.

ClinVar aggregate classification (germline): Pathogenic (1 of 4 stars; one submission).

Conditions:
Bethlem myopathy 1A. Also called: Bethlem myopathy 1; Bethlem Muscular Dystrophy; MYOPATHY, BENIGN CONGENITAL, WITH CONTRACTURES. Identifiers: Orphanet 610, MedGen CN029274, MONDO:0024530, OMIM 158810.

Submission:

Labcorp Genetics (formerly Invitae), Labcorp
Classification: Pathogenic for Bethlem myopathy 1A. Last evaluated: 2021-10-14. Review status: criteria provided, single submitter. Criteria: Invitae Variant Classification Sherloc (09022015). Collection method: clinical testing. Allele origin: germline.
Comment: Disruption of this splice site has been observed in individuals with autosomal recessive COL6A2-related conditions (PMID: 28600779; Invitae). This variant is not present in population databases (ExAC no frequency). Algorithms developed to predict the effect of sequence changes on RNA splicing suggest that this variant may disrupt the consensus splice site. For these reasons, this variant has been classified as Pathogenic. This sequence change affects a donor splice site in intron 15 of the COL6A2 gene. It is expected to disrupt RNA splicing. Variants that disrupt the donor or acceptor splice site typically lead to a loss of protein function (PMID: 16199547), and loss-of-function variants in COL6A2 are known to be pathogenic (PMID: 19884007, 20976770).

Literature cited by the submitters: PubMed 28600779; PubMed 16199547; PubMed 19884007; PubMed 20976770.